The following is an entry in ClinVar:

NM_001103.4(ACTN2):c.721G>A (p.Asp241Asn)

Gene: ACTN2 (actinin alpha 2; plus strand). Cytogenetic location: 1q43.
Variant type: single nucleotide variant.
Coding change: c.721G>A on transcript NM_001103.4 (MANE Select); coding-DNA position 721, G replaced by A.
Protein change: p.Asp241Asn; replaces aspartic acid 241 with asparagine.
Molecular consequence: missense variant. On other transcripts: 5 prime UTR variant (1), intron variant (1).
Genome position (GRCh38, 1-based): chr1:236,735,658, G>A. VCF-style: chr1-236735658-G-A. GRCh37 (hg19) VCF-style: chr1-236898958-G-A.
Other names: p.Asp241Asn; c.721G>A (NM_001103.2, NM_001103.3); c.-15G>A (NM_001278344.2); c.783+1140G>A (NM_001278343.2); short protein forms D241N.
Identifiers: ClinVar variation 1677505 (VCV001677505.6), dbSNP rs1342620732, ClinGen allele CA345377389.

ClinVar aggregate classification (germline): Uncertain significance. Review status: criteria provided, multiple submitters, no conflicts (2 of 4 stars). 4 submissions from 4 submitters: Uncertain significance (4). Last evaluated 2025-11-22.

Conditions:
Dilated cardiomyopathy 1AA (CMD1AA). Also called: CARDIOMYOPATHY, DILATED, 1AA, WITH OR WITHOUT LEFT VENTRICULAR NONCOMPACTION; CARDIOMYOPATHY, FAMILIAL HYPERTROPHIC, 23, WITH OR WITHOUT LEFT VENTRICULAR NONCOMPACTION; Cardiomyopathy, dilated, 1AA, with or without LVNC. Identifiers: Orphanet 154, MedGen C2677338, MONDO:0012808, OMIM 612158.
Primary familial hypertrophic cardiomyopathy (HCM). Identifiers: Orphanet 99739, MedGen C0949658, MeSH D024741, MONDO:0024573. Inheritance: Various modes of inheritance.
Cardiovascular phenotype. Identifiers: MedGen CN230736.

Allele frequency attached by ClinVar (database versions not stated): gnomAD exomes below 0.00001; TOPMed below 0.00001.

Submissions (4):

Labcorp Genetics (formerly Invitae), Labcorp
Classification: Uncertain significance for Primary familial hypertrophic cardiomyopathy; Dilated cardiomyopathy 1AA. Last evaluated: 2025-11-22. Review status: criteria provided, single submitter. Criteria: Invitae Variant Classification Sherloc (09022015). Collection method: clinical testing. Allele origin: germline.
Comment: This sequence change replaces aspartic acid, which is acidic and polar, with asparagine, which is neutral and polar, at codon 241 of the ACTN2 protein (p.Asp241Asn). This variant is present in population databases (no rsID available, gnomAD 0.003%). This missense change has been observed in individual(s) with primary fibrotic atrial cardiomyopathy (PMID: 35063694). ClinVar contains an entry for this variant (Variation ID: 1677505). Invitae Evidence Modeling of protein sequence and biophysical properties (such as structural, functional, and spatial information, amino acid conservation, physicochemical variation, residue mobility, and thermodynamic stability) indicates that this missense variant is expected to disrupt ACTN2 protein function with a positive predictive value of 80%. In summary, the available evidence is currently insufficient to determine the role of this variant in disease. Therefore, it has been classified as a Variant of Uncertain Significance.

Mayo Clinic Laboratories, Mayo Clinic
Classification: Uncertain significance. Last evaluated: 2025-07-19. Review status: criteria provided, single submitter. Criteria: ACMG Guidelines, 2015. Collection method: clinical testing. Allele origin: germline. Observed: 1 variant allele.
Comment: PP3_moderate, PM2_supporting

Ambry Genetics
Classification: Uncertain significance for Cardiovascular phenotype. Last evaluated: 2023-12-08. Review status: criteria provided, single submitter. Criteria: Ambry Variant Classification Scheme 2023. Collection method: clinical testing. Allele origin: germline.
Comment: The p.D241N variant (also known as c.721G>A), located in coding exon 8 of the ACTN2 gene, results from a G to A substitution at nucleotide position 721. The aspartic acid at codon 241 is replaced by asparagine, an amino acid with highly similar properties. This amino acid position is highly conserved in available vertebrate species. In addition, the in silico prediction for this alteration is inconclusive. Since supporting evidence is limited at this time, the clinical significance of this alteration remains unclear.

AiLife Diagnostics
Classification: Uncertain significance. Last evaluated: 2021-09-20. Review status: criteria provided, single submitter. Criteria: ACMG Guidelines, 2015. Collection method: clinical testing. Allele origin: germline. Affected: yes. Observed: 1 variant allele.

Literature cited by the submitters: PubMed 35063694 (cited by Labcorp Genetics (formerly Invitae), Labcorp and Mayo Clinic Laboratories, Mayo Clinic).